The following is an entry in ClinVar:

ClinVar aggregate classification (germline): Pathogenic (1 of 4 stars; one submission).

Conditions:
Hereditary cancer-predisposing syndrome. Also called: Neoplastic Syndromes, Hereditary; Tumor predisposition; Hereditary Cancer Syndrome; Hereditary neoplastic syndrome. Identifiers: Orphanet 140162, MedGen C0027672, MeSH D009386, MONDO:0015356.

Allele frequency attached by ClinVar (database versions not stated): gnomAD exomes below 0.00001.

Submission:

Ambry Genetics
Classification: Pathogenic for Hereditary cancer-predisposing syndrome. Last evaluated: 2021-05-24. Review status: criteria provided, single submitter. Criteria: Ambry Variant Classification Scheme 2023. Collection method: clinical testing. Allele origin: germline.
Comment: The p.M1? pathogenic mutation (also known as c.2T>C) is located in coding exon 1 of the MEN1 gene and results from a T to C substitution at nucleotide position 2. This alters the methionine residue at the initiation codon (ATG). This mutation and different substitutions impacting the same initiation codon (c.1A>G, c.1A>T, and c.2T>G) have been detected in individuals with features or clinical diagnoses of multiple endocrine neoplasia type 1 and familial isolated hyperparathyroidism (Ambry internal data; Villablanca A et al. Eur. J. Endocrinol. 2002 Sep;147(3):313-22; Klein RD et al. Genet. Med. 2005 Feb;7(2):131-8). This variant is considered to be rare based on population cohorts in the Genome Aggregation Database (gnomAD). In addition to the clinical data presented in the literature, sequence variations that modify the initiation codon are expected to result in either loss of translation initiation, N-terminal truncation, or cause a shift in the mRNA reading frame. Based on the supporting evidence, this alteration is interpreted as a disease-causing mutation.

NM_001370259.2(MEN1):c.2T>C (p.Met1Thr)

Gene: MEN1 (menin 1; minus strand). Cytogenetic location: 11q13.1.
Variant type: single nucleotide variant.
Coding change: c.2T>C on transcript NM_001370259.2 (MANE Select); coding-DNA position 2, T replaced by C.
Protein change: p.Met1Thr; changes the start codon (methionine 1).
Molecular consequence: missense variant, initiator codon variant.
Genome position (GRCh38, 1-based): chr11:64,810,108, A>G on the plus strand (T>C on the coding strand, the complement: MEN1 is on the minus strand). VCF-style: chr11-64810108-A-G. GRCh37 (hg19) VCF-style: chr11-64577580-A-G.
Other names: c.2T>C, p.Met1Thr (NM_000244.4, NM_001370251.2, NM_001370260.2 and 20 more transcripts); short protein forms M1T.
Identifiers: ClinVar variation 1798676 (VCV001798676.3), dbSNP rs2497292377, ClinGen allele CA381188342.